The following is an entry in ClinVar:

NM_002437.5(MPV17):c.280-6C>A

Gene: MPV17 (mitochondrial inner membrane protein MPV17; minus strand). Cytogenetic location: 2p23.3.
Variant type: single nucleotide variant.
Coding change: c.280-6C>A on transcript NM_002437.5 (MANE Select); 6 bases into the intron before coding-DNA position 280, C replaced by A.
Molecular consequence: intron variant.
Genome position (GRCh38, 1-based): chr2:27,312,595, G>T on the plus strand (C>A on the coding strand, the complement: MPV17 is on the minus strand). VCF-style: chr2-27312595-G-T. GRCh37 (hg19) VCF-style: chr2-27535462-G-T.
Identifiers: ClinVar variation 3029159 (VCV003029159.2), dbSNP rs2465682227, ClinGen allele CA2658326272.

ClinVar aggregate classification (germline): Likely benign (0 of 4 stars; one submission).

Conditions:
MPV17-related disorder. Also called: MPV17-related condition; MPV17-related disorders. Identifiers: MedGen CN239328.

Allele frequency attached by ClinVar (database versions not stated): gnomAD exomes 0.00001.
gnomAD v4.1: 11 of 1,614,094 alleles (0.00068%); highest among the groups gnomAD compares: Non-Finnish European, 0.00093%; no homozygotes.

Submission:

PreventionGenetics, part of Exact Sciences
Classification: Likely benign for MPV17-related condition. Last evaluated: 2021-12-21. Review status: no assertion criteria provided. Collection method: clinical testing. Allele origin: germline.
Comment: This variant is classified as likely benign based on ACMG/AMP sequence variant interpretation guidelines (Richards et al. 2015 PMID: 25741868, with internal and published modifications).